The following is an entry in ClinVar:

ClinVar aggregate classification (germline): Likely benign. Review status: criteria provided, single submitter (1 of 4 stars). 2 submissions from 2 submitters: Likely benign (1). 1 of the submissions does not count toward it. Last evaluated 2025-01-18.

Conditions:
ACTN1-related disorder. Also called: ACTN1-related condition.

gnomAD v4.1: 17 of 1,608,742 alleles (0.0011%); highest among the groups gnomAD compares: Admixed American, 0.005%; no homozygotes.

Submissions (2):

Labcorp Genetics (formerly Invitae), Labcorp
Classification: Likely benign. Last evaluated: 2025-01-18. Review status: criteria provided, single submitter. Criteria: Invitae Variant Classification Sherloc (09022015). Collection method: clinical testing. Allele origin: germline.

PreventionGenetics, part of Exact Sciences
Classification: Likely benign for ACTN1-related condition. Last evaluated: 2024-02-07. Review status: no assertion criteria provided. Collection method: clinical testing. Allele origin: germline. Not counted in ClinVar's aggregate classification.
Comment: This variant is classified as likely benign based on ACMG/AMP sequence variant interpretation guidelines (Richards et al. 2015 PMID: 25741868, with internal and published modifications).

NM_001130004.2(ACTN1):c.2362-5C>T

Gene: ACTN1 (actinin alpha 1; minus strand). Cytogenetic location: 14q24.1.
Variant type: single nucleotide variant.
Coding change: c.2362-5C>T on transcript NM_001130004.2 (MANE Select); 5 bases into the intron before coding-DNA position 2362, C replaced by T.
Molecular consequence: intron variant.
Genome position (GRCh38, 1-based): chr14:68,878,528, G>A on the plus strand (C>T on the coding strand, the complement: ACTN1 is on the minus strand). VCF-style: chr14-68878528-G-A. GRCh37 (hg19) VCF-style: chr14-69345245-G-A.
Other names: c.2086-5C>T (NM_001424028.1); c.2166+461C>T (NM_001411036.1, NM_001424026.1); c.2448+461C>T (NM_001424015.1); c.2098-1288C>T (NM_001424029.1); c.2098-5C>T (NM_001424027.1); c.2178+461C>T (NM_001424025.1, NM_001424019.1); c.2179-5C>T (NM_001424024.1); c.2281-1288C>T (NM_001424023.1); and 11 more.
Identifiers: ClinVar variation 3040960 (VCV003040960.4), dbSNP rs775826419, ClinGen allele CA7242019.